The following is an entry in ClinVar:

ClinVar aggregate classification (germline): Uncertain significance. Review status: criteria provided, multiple submitters, no conflicts (2 of 4 stars). 2 submissions from 2 submitters: Uncertain significance (2). Last evaluated 2025-03-26.

Conditions:
Inborn genetic diseases. Identifiers: MedGen C0950123, MeSH D030342.
COL4A4-related disorder.

gnomAD v4.1: 3 of 1,597,130 alleles (0.00019%); highest among the groups gnomAD compares: Non-Finnish European, 0.00026%; no homozygotes.

Submissions (2):

Ambry Genetics
Classification: Uncertain significance for Inborn genetic diseases. Last evaluated: 2025-03-26. Review status: criteria provided, single submitter. Criteria: Ambry Variant Classification Scheme 2023. Collection method: clinical testing. Allele origin: germline.

PreventionGenetics, part of Exact Sciences
Classification: Uncertain significance for COL4A4-related condition. Last evaluated: 2025-02-12. Review status: criteria provided, single submitter. Criteria: ACMG Guidelines, 2015. Collection method: clinical testing. Allele origin: germline.
Comment: The COL4A4 c.935A>G variant is predicted to result in the amino acid substitution p.Asp312Gly. To our knowledge, this variant has not been reported in the literature or in a large population database (gnomAD), indicating this variant is rare. At this time, the clinical significance of this variant is uncertain due to the absence of conclusive functional and genetic evidence.

NM_000092.5(COL4A4):c.935A>G (p.Asp312Gly)

Gene: COL4A4 (collagen type IV alpha 4 chain; minus strand). Cytogenetic location: 2q36.3.
Variant type: single nucleotide variant.
Coding change: c.935A>G on transcript NM_000092.5 (MANE Select); coding-DNA position 935, A replaced by G.
Protein change: p.Asp312Gly; replaces aspartic acid 312 with glycine.
Molecular consequence: missense variant.
Genome position (GRCh38, 1-based): chr2:227,101,905, T>C on the plus strand (A>G on the coding strand, the complement: COL4A4 is on the minus strand). VCF-style: chr2-227101905-T-C. GRCh37 (hg19) VCF-style: chr2-227966621-T-C.
Other names: short protein forms D312G.
Identifiers: ClinVar variation 4005391 (VCV004005391.2).